The following is an entry in ClinVar:

NM_000548.5(TSC2):c.1600-10C>T

Gene: TSC2 (TSC complex subunit 2; plus strand). Cytogenetic location: 16p13.3.
Variant type: single nucleotide variant.
Coding change: c.1600-10C>T on transcript NM_000548.5 (MANE Select); 10 bases into the intron before coding-DNA position 1600, C replaced by T.
Molecular consequence: intron variant.
Genome position (GRCh38, 1-based): chr16:2,065,509, C>T. VCF-style: chr16-2065509-C-T. GRCh37 (hg19) VCF-style: chr16-2115510-C-T.
Other names: c.1600-10C>T (NM_001114382.3, NM_021055.3, NM_001370405.1 and 4 more transcripts); c.1489-10C>T (NM_001318827.2); c.1000-10C>T (NM_001318831.2); c.1453-10C>T (NM_001318829.2); c.1633-10C>T (NM_001318832.2).
Identifiers: ClinVar variation 237968 (VCV000237968.18), dbSNP rs768188836, ClinGen allele CA031489.
Genomic context (GRCh38, chr16:2,065,509, plus strand): 5'-AGAAAGTGTTCTCACGGCTGCTGACTCAGAACCATGAGCCTGTGTGTAAGTCCTGGCCTT[C>T]TCTTCAAAGGTGATGGCCCGCTCCCTCTCCCCACCCCCGGAGCTGGAAGAAAGGGATGTG-3'

ClinVar aggregate classification (germline): Conflicting classifications of pathogenicity. Review status: criteria provided, conflicting classifications (1 of 4 stars). 10 submissions from 10 submitters: Uncertain significance (1); Benign (4); Likely benign (4). 1 of the submissions does not count toward it. Last evaluated 2026-01-24.

Conditions:
TSC2-related disorder. Also called: TSC2-Related Disorders; TSC2-related condition.
Hereditary cancer-predisposing syndrome. Also called: Neoplastic Syndromes, Hereditary; Hereditary Cancer Syndrome; Tumor predisposition; Hereditary neoplastic syndrome. Identifiers: Orphanet 140162, MedGen C0027672, MeSH D009386, MONDO:0015356.
Tuberous sclerosis 2 (TSC2). Identifiers: Orphanet 805, MedGen C1860707, MONDO:0013199, OMIM 613254.
Tuberous sclerosis syndrome (TSC). Also called: Tuberous Sclerosis Complex; Tuberous sclerosis. Identifiers: Orphanet 805, MedGen C0041341, MONDO:0001734.

Allele frequency attached by ClinVar (database versions not stated): gnomAD exomes 0.00002; gnomAD 0.00003; ExAC 0.00004; TOPMed 0.00004.
gnomAD v4.1: 44 of 1,599,742 alleles (0.0028%); highest among the groups gnomAD compares: Admixed American, 0.013%; no homozygotes.

Submissions (10):

Labcorp Genetics (formerly Invitae), Labcorp
Classification: Benign for Tuberous sclerosis 2. Last evaluated: 2026-01-24. Review status: criteria provided, single submitter. Criteria: Invitae Variant Classification Sherloc (09022015). Collection method: clinical testing. Allele origin: germline.

Myriad Genetics, Inc.
Classification: Likely benign for Tuberous sclerosis 2. Last evaluated: 2025-05-14. Review status: criteria provided, single submitter. Criteria: Myriad Autosomal Dominant, Autosomal Recessive and X-Linked Classification Criteria (2023). Collection method: clinical testing. Allele origin: unknown.
Comment: This variant is considered likely benign. This variant is intronic and is not expected to impact mRNA splicing.

Blueprint Genetics
Classification: Likely benign. Last evaluated: 2024-07-19. Review status: criteria provided, single submitter. Criteria: ACMG Guidelines, 2015. Collection method: clinical testing. Allele origin: germline.

All of Us Research Program, National Institutes of Health
Classification: Benign for Tuberous sclerosis syndrome. Last evaluated: 2023-12-13. Review status: criteria provided, single submitter. Criteria: ACMG Guidelines, 2015. Collection method: clinical testing. Allele origin: germline. Inheritance: Autosomal dominant inheritance. Observed: 8 variant alleles, 8 heterozygotes.
Comment: This study involves interpretation of variants in research participants for the purpose of population health screening. Participant phenotype was not available at the time of variant classification. Additional details can be found in publication PMID: 35346344, PMCID: PMC8962531

KCCC/NGS Laboratory, Kuwait Cancer Control Center
Classification: Likely benign for Tuberous sclerosis 2. Last evaluated: 2023-07-07. Review status: criteria provided, single submitter. Criteria: ACMG Guidelines, 2015. Collection method: clinical testing. Allele origin: germline. Affected: yes.

Color Diagnostics, LLC DBA Color Health
Classification: Benign for Tuberous sclerosis syndrome. Last evaluated: 2022-11-18. Review status: criteria provided, single submitter. Criteria: ACMG Guidelines, 2015. Collection method: clinical testing. Allele origin: germline.

Genome-Nilou Lab
Classification: Benign for Tuberous sclerosis 2. Last evaluated: 2021-11-07. Review status: criteria provided, single submitter. Criteria: ACMG Guidelines, 2015. Collection method: clinical testing. Allele origin: germline. Affected: no.

GeneDx
Classification: Likely benign. Last evaluated: 2017-10-03. Review status: criteria provided, single submitter. Criteria: GeneDx Variant Classification (06012015). Collection method: clinical testing. Allele origin: germline. Affected: yes.
Comment: This variant is considered likely benign or benign based on one or more of the following criteria: it is a conservative change, it occurs at a poorly conserved position in the protein, it is predicted to be benign by multiple in silico algorithms, and/or has population frequency not consistent with disease.

Ambry Genetics
Classification: Uncertain significance for Hereditary cancer-predisposing syndrome. Last evaluated: 2015-03-22. Review status: criteria provided, single submitter. Criteria: Ambry Variant Classification Scheme 2023. Collection method: clinical testing. Allele origin: germline.
Comment: The c.1600-10C>T intronic alteration consists of a C to T substitution 10 nucleotides before coding exon 15 in the TSC2 gene. Based on insufficient or conflicting evidence, the clinical significance of this alteration remains unclear.

PreventionGenetics, part of Exact Sciences
Classification: Likely benign for TSC2-related condition. Last evaluated: 2024-07-08. Review status: no assertion criteria provided. Collection method: clinical testing. Allele origin: germline. Not counted in ClinVar's aggregate classification.
Comment: This variant is classified as likely benign based on ACMG/AMP sequence variant interpretation guidelines (Richards et al. 2015 PMID: 25741868, with internal and published modifications).